The following is an entry in ClinVar:

NM_000051.4(ATM):c.321T>A (p.Cys107Ter)

Gene: ATM (ATM serine/threonine kinase; plus strand). Cytogenetic location: 11q22.3.
Variant type: single nucleotide variant.
Coding change: c.321T>A on transcript NM_000051.4 (MANE Select); coding-DNA position 321, T replaced by A.
Protein change: p.Cys107Ter; replaces cysteine 107 with a stop codon.
Molecular consequence: nonsense.
Genome position (GRCh38, 1-based): chr11:108,229,313, T>A. VCF-style: chr11-108229313-T-A. GRCh37 (hg19) VCF-style: chr11-108100040-T-A.
Other names: c.321T>A, p.Cys107Ter (NM_001351834.2, NM_001351835.2, NM_001351836.2); short protein forms C107*.
Identifiers: ClinVar variation 1729066 (VCV001729066.2), dbSNP rs2135038300, ClinGen allele CA382521790.

ClinVar aggregate classification (germline): Pathogenic (1 of 4 stars; one submission).

Conditions:
Hereditary cancer-predisposing syndrome. Also called: Tumor predisposition; Neoplastic Syndromes, Hereditary; Hereditary Cancer Syndrome; Hereditary neoplastic syndrome. Identifiers: Orphanet 140162, MedGen C0027672, MeSH D009386, MONDO:0015356.

Submission:

Ambry Genetics
Classification: Pathogenic for Hereditary cancer-predisposing syndrome. Last evaluated: 2020-10-28. Review status: criteria provided, single submitter. Criteria: Ambry Variant Classification Scheme 2023. Collection method: clinical testing. Allele origin: germline.
Comment: The p.C107* pathogenic mutation (also known as c.321T>A), located in coding exon 3 of the ATM gene, results from a T to A substitution at nucleotide position 321. This changes the amino acid from a cysteine to a stop codon within coding exon 3. This variant was not reported in population-based cohorts in the Genome Aggregation Database (gnomAD). This alteration is expected to result in loss of function by premature protein truncation or nonsense-mediated mRNA decay. As such, this alteration is interpreted as a disease-causing mutation.